The following is an entry in ClinVar:

ClinVar aggregate classification (germline): Likely pathogenic. Review status: criteria provided, single submitter (1 of 4 stars). 4 submissions from 4 submitters: Likely pathogenic (1). 3 of the submissions do not count toward it. Last evaluated 2017-02-09.

Conditions:
Hereditary cancer-predisposing syndrome. Also called: Hereditary Cancer Syndrome; Neoplastic Syndromes, Hereditary; Tumor predisposition; Hereditary neoplastic syndrome. Identifiers: Orphanet 140162, MedGen C0027672, MeSH D009386, MONDO:0015356.

Submissions (4):

Ambry Genetics
Classification: Likely pathogenic for Hereditary cancer-predisposing syndrome. Last evaluated: 2017-02-09. Review status: criteria provided, single submitter. Criteria: Ambry Variant Classification Scheme 2023. Collection method: clinical testing. Allele origin: germline.
Comment: The p.W218S variant (also known as c.653G>C), located in coding exon 7 of the SDHB gene, results from a G to C substitution at nucleotide position 653. The tryptophan at codon 218 is replaced by serine, an amino acid with highly dissimilar properties. This alteration was detected in two relatives, a mother and daughter, who were both diagnosed with a paraganglioma (Bayley JP et al. BMC Med. Genet., 2006 Jan;7:1). This amino acid position is highly conserved in available vertebrate species. In addition, this alteration is predicted to be deleterious by in silico analysis. Furthermore, our structural analysis indicates that the variant is located in a key, sensitive region and likely to destabilize the protein structure. Based on the majority of available evidence to date, this variant is likely to be pathogenic.

Diagnostic Laboratory, Department of Genetics, University Medical Center Groningen
Classification: Pathogenic. Review status: no assertion criteria provided. Collection method: clinical testing. Allele origin: germline. Affected: yes. Study: VKGL Data-share Consensus. Not counted in ClinVar's aggregate classification.

Genome Diagnostics Laboratory, University Medical Center Utrecht
Classification: Likely pathogenic. Review status: no assertion criteria provided. Collection method: clinical testing. Allele origin: germline. Affected: yes. Study: VKGL Data-share Consensus. Not counted in ClinVar's aggregate classification.

Joint Genome Diagnostic Labs from Nijmegen and Maastricht, Radboudumc and MUMC+
Classification: Pathogenic. Review status: no assertion criteria provided. Collection method: clinical testing. Allele origin: germline. Affected: yes. Study: VKGL Data-share Consensus. Not counted in ClinVar's aggregate classification.

Literature cited by the submitters: PubMed 16405730 (cited by Ambry Genetics).

NM_003000.3(SDHB):c.653G>C (p.Trp218Ser)

Gene: SDHB (succinate dehydrogenase complex iron sulfur subunit B; minus strand). Cytogenetic location: 1p36.13.
Variant type: single nucleotide variant.
Coding change: c.653G>C on transcript NM_003000.3 (MANE Select); coding-DNA position 653, G replaced by C.
Protein change: p.Trp218Ser; replaces tryptophan 218 with serine.
Molecular consequence: missense variant.
Genome position (GRCh38, 1-based): chr1:17,022,720, C>G on the plus strand (G>C on the coding strand, the complement: SDHB is on the minus strand). VCF-style: chr1-17022720-C-G. GRCh37 (hg19) VCF-style: chr1-17349215-C-G.
Other names: short protein forms W218S.
Identifiers: ClinVar variation 480794 (VCV000480794.11), dbSNP rs1553177290, ClinGen allele CA338270494.